The following is an entry in ClinVar:

ClinVar aggregate classification (germline): Uncertain significance (1 of 4 stars; one submission).

Submission:

GeneDx
Classification: Uncertain significance. Last evaluated: 2025-03-29. Review status: criteria provided, single submitter. Criteria: GeneDx Variant Classification Process June 2021. Collection method: clinical testing. Allele origin: germline. Affected: yes.
Comment: Not observed at significant frequency in large population cohorts (gnomAD); In silico analysis supports that this missense variant has a deleterious effect on protein structure/function; Has not been previously published as pathogenic or benign to our knowledge

NM_003482.4(KMT2D):c.4364A>G (p.Tyr1455Cys)

Gene: KMT2D (lysine methyltransferase 2D; minus strand). Cytogenetic location: 12q13.12.
Variant type: single nucleotide variant.
Coding change: c.4364A>G on transcript NM_003482.4 (MANE Select); coding-DNA position 4364, A replaced by G.
Protein change: p.Tyr1455Cys; replaces tyrosine 1455 with cysteine.
Molecular consequence: missense variant.
Genome position (GRCh38, 1-based): chr12:49,046,663, T>C on the plus strand (A>G on the coding strand, the complement: KMT2D is on the minus strand). VCF-style: chr12-49046663-T-C. GRCh37 (hg19) VCF-style: chr12-49440446-T-C.
Other names: short protein forms Y1455C.
Identifiers: ClinVar variation 4278721 (VCV004278721.1).
Genomic context (GRCh38, chr12:49,046,663, plus strand): 5'-CCTTACCACTTGCACTTCCAGCCGCCCTTGGGGACGGTGAGCAGTGGGGGGTCCAGGCAG[T>C]ATGTGTGGTAGCTAATATCACAGTCATCACAGAGCAGCAGGCGTGAGGGGTCGGAGGCCT-3'
Protein context (NP_003473.3, residues 1445-1465): CDDCDISYHT[Tyr1455Cys]CLDPPLLTVP